The following is an entry in ClinVar:

ClinVar aggregate classification (germline): Uncertain significance (0 of 4 stars; one submission).

Conditions:
Lissencephaly 9 with complex brainstem malformation. Identifiers: Orphanet 572013, MedGen C5193029, MONDO:0032677, OMIM 618325.

Submission:

Hong-Tao Li Lab, Institute of Brain Science and Brain-inspired Research, Shandong First Medical University & Shandong Academy of Medical Sciences China
Classification: Uncertain significance for Lissencephaly 9 with complex brainstem malformation. Review status: no assertion criteria provided. Collection method: research. Allele origin: germline. Inheritance: Autosomal dominant inheritance. Affected: yes. Observed: 1 variant allele, 1 heterozygote.
Comment: Observed in affected individuals from a Pakistani neurodevelopmental-disorder research cohort of 263 individuals. Classification assigned using the ACMG/AMP framework.

NM_001394062.1(MACF1):c.4237A>G (p.Lys1413Glu)

Gene: MACF1 (microtubule actin crosslinking factor 1; plus strand). Cytogenetic location: 1p34.3.
Variant type: single nucleotide variant.
Coding change: c.4237A>G on transcript NM_001394062.1 (MANE Select); coding-DNA position 4237, A replaced by G.
Protein change: p.Lys1413Glu; replaces lysine 1413 with glutamic acid.
Molecular consequence: missense variant.
Genome position (GRCh38, 1-based): chr1:39,324,193, A>G. VCF-style: chr1-39324193-A-G. GRCh37 (hg19) VCF-style: chr1-39789865-A-G.
Other names: c.4252A>G, p.Lys1418Glu (NM_012090.5); short protein forms K1413E, K1418E.
Identifiers: ClinVar variation 4884797 (VCV004884797.1).